The following is an entry in ClinVar:

NM_004369.4(COL6A3):c.5589C>G (p.Asp1863Glu)

Gene: COL6A3 (collagen type VI alpha 3 chain; minus strand). Cytogenetic location: 2q37.3.
Variant type: single nucleotide variant.
Coding change: c.5589C>G on transcript NM_004369.4 (MANE Select); coding-DNA position 5589, C replaced by G.
Protein change: p.Asp1863Glu; replaces aspartic acid 1863 with glutamic acid.
Molecular consequence: missense variant.
Genome position (GRCh38, 1-based): chr2:237,365,947, G>C on the plus strand (C>G on the coding strand, the complement: COL6A3 is on the minus strand). VCF-style: chr2-237365947-G-C. GRCh37 (hg19) VCF-style: chr2-238274590-G-C.
Other names: c.3768C>G, p.Asp1256Glu (NM_057166.5); c.4971C>G, p.Asp1657Glu (NM_057167.4); short protein forms D1657E, D1863E, D1256E.
Identifiers: ClinVar variation 4777021 (VCV004777021.1).
Genomic context (GRCh38, chr2:237,365,947, plus strand): 5'-GGGCGAGCGGCCACCGCTGCAGCTGACCCTGTGCATCTGGCTGATTCTGTTCAAGATGGC[G>C]TCCACCTTGGACTCGAAGCCCTTCTGGGCCACAAAAACATTCTGGTCTCTAGAACCATCA-3'
Protein context (NP_004360.2, residues 1853-1873): VAQKGFESKV[Asp1863Glu]AILNRISQMH

ClinVar aggregate classification (germline): Uncertain significance (1 of 4 stars; one submission).

Conditions:
Bethlem myopathy 1A. Also called: Bethlem myopathy 1; Bethlem Muscular Dystrophy; MYOPATHY, BENIGN CONGENITAL, WITH CONTRACTURES. Identifiers: Orphanet 610, MedGen CN029274, MONDO:0024530, OMIM 158810.

Submission:

Labcorp Genetics (formerly Invitae), Labcorp
Classification: Uncertain significance for Bethlem myopathy 1A. Last evaluated: 2025-06-24. Review status: criteria provided, single submitter. Criteria: Invitae Variant Classification Sherloc (09022015). Collection method: clinical testing. Allele origin: germline.
Comment: This sequence change replaces aspartic acid, which is acidic and polar, with glutamic acid, which is acidic and polar, at codon 1863 of the COL6A3 protein (p.Asp1863Glu). This variant is not present in population databases (gnomAD no frequency). This variant has not been reported in the literature in individuals affected with COL6A3-related conditions. Invitae Evidence Modeling of protein sequence and biophysical properties (such as structural, functional, and spatial information, amino acid conservation, physicochemical variation, residue mobility, and thermodynamic stability) indicates that this missense variant is not expected to disrupt COL6A3 protein function with a negative predictive value of 80%. In summary, the available evidence is currently insufficient to determine the role of this variant in disease. Therefore, it has been classified as a Variant of Uncertain Significance.